The following is an entry in ClinVar:

NM_000179.3(MSH6):c.660AGA[1] (p.Glu221del)

Gene: MSH6 (mutS homolog 6; plus strand). Cytogenetic location: 2p16.3.
Variant type: Microsatellite.
Coding change: c.660AGA[1] on transcript NM_000179.3 (MANE Select); one copy of the 3-base unit AGA starting at c.660; the reference has two copies in a row; one copy, 3 bases deleted; also written c.663_665del.
Protein change: p.Glu221del; deletes glutamic acid 221.
Molecular consequence: inframe deletion. On other transcripts: 5 prime UTR variant (2).
Genome position (GRCh38, 1-based): chr2:47,798,646-47,798,648, AGA deleted; deleting any 3 consecutive bases within chr2:47,798,641-47,798,648 gives the same sequence; the position shown is the placement nearest the transcript's 3' end. VCF-style (leftmost placement, unchanged base first): chr2-47798640-TGAA-T. GRCh37 (hg19) VCF-style: chr2-48025779-TGAA-T.
Other names: c.663_665del (NM_000179.3); c.270AGA[1], p.Glu91del (NM_001281492.2); c.-247AGA[1] (NM_001281493.2, NM_001281494.2); short protein forms E221del, E91del.
Identifiers: ClinVar variation 954962 (VCV000954962.10), dbSNP rs1669242170, ClinGen allele CA2496048036.
Genomic context (GRCh38, chr2:47,798,640, plus strand): 5'-TGTTTTTAAATACTCTTTCCTTGCCTGGCAGGTAGGCACAACTTACGTAACAGATAAGAG[TGAA>T]GAAGATAATGAAATTGAGAGTGAAGAGGAAGTACAGCCTAAGACACAAGGATCTAGGCGA-3'

ClinVar aggregate classification (germline): Uncertain significance. Review status: criteria provided, multiple submitters, no conflicts (2 of 4 stars). 2 submissions from 2 submitters: Uncertain significance (2). Last evaluated 2025-10-01.

Conditions:
Hereditary nonpolyposis colorectal neoplasms. Identifiers: MedGen C0009405, MeSH D003123.
Hereditary cancer-predisposing syndrome. Also called: Hereditary neoplastic syndrome; Tumor predisposition; Neoplastic Syndromes, Hereditary; Hereditary Cancer Syndrome. Identifiers: Orphanet 140162, MedGen C0027672, MeSH D009386, MONDO:0015356.

Submissions (2):

Color Diagnostics, LLC DBA Color Health
Classification: Uncertain significance for Hereditary cancer-predisposing syndrome. Last evaluated: 2025-10-01. Review status: criteria provided, single submitter. Criteria: ACMG Guidelines, 2015. Collection method: clinical testing. Allele origin: germline.
Comment: This variant causes the deletion of a single amino acid at position 221 in the MSH6 protein. To our knowledge, functional studies have not been reported for this variant. This variant has not been reported in individuals affected with MSH6-related disorders in the literature. This variant has been identified in 1/1459936 chromosomes in the general population by the Genome Aggregation Database (gnomAD). The available evidence is insufficient to determine the role of this variant in disease conclusively. Therefore, this variant is classified as a Variant of Uncertain Significance.

Labcorp Genetics (formerly Invitae), Labcorp
Classification: Uncertain significance for Hereditary nonpolyposis colorectal neoplasms. Last evaluated: 2024-09-27. Review status: criteria provided, single submitter. Criteria: Invitae Variant Classification Sherloc (09022015). Collection method: clinical testing. Allele origin: germline.
Comment: This variant, c.663_665del, results in the deletion of 1 amino acid(s) of the MSH6 protein (p.Glu221del), but otherwise preserves the integrity of the reading frame. This variant is not present in population databases (gnomAD no frequency). This variant has not been reported in the literature in individuals affected with MSH6-related conditions. ClinVar contains an entry for this variant (Variation ID: 954962). Experimental studies and prediction algorithms are not available or were not evaluated, and the functional significance of this variant is currently unknown. In summary, the available evidence is currently insufficient to determine the role of this variant in disease. Therefore, it has been classified as a Variant of Uncertain Significance.